The following is an entry in ClinVar:

NM_000234.3(LIG1):c.1810C>T (p.Arg604Cys)

Gene: LIG1 (DNA ligase 1; minus strand). Cytogenetic location: 19q13.33.
Variant type: single nucleotide variant.
Coding change: c.1810C>T on transcript NM_000234.3 (MANE Select); coding-DNA position 1810, C replaced by T.
Protein change: p.Arg604Cys; replaces arginine 604 with cysteine.
Molecular consequence: missense variant. On other transcripts: non-coding transcript variant (6).
Genome position (GRCh38, 1-based): chr19:48,131,087, G>A on the plus strand (C>T on the coding strand, the complement: LIG1 is on the minus strand). VCF-style: chr19-48131087-G-A. GRCh37 (hg19) VCF-style: chr19-48634344-G-A.
Other names: c.1717C>T, p.Arg573Cys (NM_001289063.2); c.1606C>T, p.Arg536Cys (NM_001289064.2); c.1807C>T, p.Arg603Cys (NM_001320970.2); c.1720C>T, p.Arg574Cys (NM_001320971.2); short protein forms R536C, R573C, R574C, R604C, R603C.
Identifiers: ClinVar variation 1988009 (VCV001988009.4), dbSNP rs570025325, ClinGen allele CA9546702.
Genomic context (GRCh38, chr19:48,131,087, plus strand): 5'-CCCCTGACCACAGACCCTGGCAGAGTGCAAGTGTGTGGCAGACGCCCACCTTGGGGATGC[G>A]GCTGATGATGTCCGGGTACTTCCCAGTGTTGTCTTCCTGATTCCTGCTGAAGATCTTCAC-3'
Protein context (NP_000225.1, residues 594-614): NTGKYPDIIS[Arg604Cys]IPKIKLPSVT

ClinVar aggregate classification (germline): Uncertain significance (1 of 4 stars; one submission).

Allele frequency attached by ClinVar (database versions not stated): gnomAD exomes 0.00002; TOPMed 0.00003; gnomAD 0.00005; ExAC 0.00006; 1000 Genomes Project 0.00040; 1000 Genomes Project 30x 0.00047.

Submission:

Labcorp Genetics (formerly Invitae), Labcorp
Classification: Uncertain significance. Last evaluated: 2025-01-02. Review status: criteria provided, single submitter. Criteria: Invitae Variant Classification Sherloc (09022015). Collection method: clinical testing. Allele origin: germline.
Comment: This sequence change replaces arginine, which is basic and polar, with cysteine, which is neutral and slightly polar, at codon 604 of the LIG1 protein (p.Arg604Cys). This variant is present in population databases (rs570025325, gnomAD 0.02%). This variant has not been reported in the literature in individuals affected with LIG1-related conditions. ClinVar contains an entry for this variant (Variation ID: 1988009). An algorithm developed to predict the effect of missense changes on protein structure and function (PolyPhen-2) suggests that this variant is likely to be disruptive. In summary, the available evidence is currently insufficient to determine the role of this variant in disease. Therefore, it has been classified as a Variant of Uncertain Significance.